The following is an entry in ClinVar:

ClinVar aggregate classification (germline): Pathogenic (1 of 4 stars; one submission).

Conditions:
Ataxia-telangiectasia syndrome (AT). Also called: Ataxia-telangiectasia, complementation group D; AT, COMPLEMENTATION GROUP C; ATAXIA-TELANGIECTASIA, COMPLEMENTATION GROUP A; ATAXIA-TELANGIECTASIA, FRESNO VARIANT; Ataxia-telangiectasia; Ataxia telangiectasia (A-T). Identifiers: Orphanet 100, MedGen C0004135, MONDO:0008840, OMIM 208900.

Submission:

Labcorp Genetics (formerly Invitae), Labcorp
Classification: Pathogenic for Ataxia-telangiectasia syndrome. Last evaluated: 2019-09-28. Review status: criteria provided, single submitter. Criteria: Invitae Variant Classification Sherloc (09022015). Collection method: clinical testing. Allele origin: germline.
Comment: This sequence change creates a premature translational stop signal (p.Leu2750Phefs*9) in the ATM gene. It is expected to result in an absent or disrupted protein product. This variant is not present in population databases (ExAC no frequency). This variant has not been reported in the literature in individuals with ATM-related conditions. Loss-of-function variants in ATM are known to be pathogenic (PMID: 23807571, 25614872). For these reasons, this variant has been classified as Pathogenic.

Literature cited by the submitters: PubMed 23807571; PubMed 25614872.

NM_000051.4(ATM):c.8213_8249dup (p.Leu2750delinsPheThrAlaGluLysHisGlyAsnTer)

Genes: ATM (ATM serine/threonine kinase; plus strand), C11orf65 (chromosome 11 open reading frame 65; minus strand). Cytogenetic location: 11q22.3.
Variant type: Duplication.
Coding change: c.8213_8249dup on transcript NM_000051.4 (MANE Select); coding-DNA positions 8213 to 8249, 37 bases duplicated.
Protein change: p.Leu2750delinsPheThrAlaGluLysHisGlyAsnTer.
Molecular consequence: nonsense. On other transcripts: intron variant (2).
Genome position (GRCh38, 1-based): chr11:108,335,906-108,335,942, 37 bases duplicated; duplicating any 37 consecutive bases within chr11:108,335,905-108,335,942 gives the same sequence; the c. name uses the placement nearest the transcript's 3' end. GRCh37 (hg19): chr11:108,206,633-108,206,669.
Other names: c.8213_8249dup, p.Leu2750delinsPheThrAlaGluLysHisGlyAsnTer (NM_001351834.2); c.641-26870_641-26834dup (NM_001330368.2); c.695-649_695-613dup (NM_001351110.2).
Identifiers: ClinVar variation 956115 (VCV000956115.9), dbSNP rs2086793763, ClinGen allele CA1139662194.